The following is an entry in ClinVar:

NM_033004.4(NLRP1):c.3876GTCTGG[3] (p.Gly1298_Met1299insSerGly)

Gene: NLRP1 (NLR family pyrin domain containing 1; minus strand). Cytogenetic location: 17p13.2.
Variant type: Microsatellite.
Coding change: c.3876GTCTGG[3] on transcript NM_033004.4 (MANE Select); three copies in a row of the 6-base unit GTCTGG starting at c.3876; the reference has two copies in a row; one copy, 6 bases duplicated.
Protein change: p.Gly1298_Met1299insSerGly.
Molecular consequence: inframe insertion. On other transcripts: intron variant (2).
Genome position (GRCh38, 1-based): chr17:5,520,909-5,520,914, CCAGAC duplicated on the plus strand (GTCTGG on the coding strand, the reverse complement: NLRP1 is on the minus strand); duplicating any 6 consecutive bases within chr17:5,520,909-5,520,920 gives the same sequence; the position shown is the placement nearest the transcript's 3' end. VCF-style (leftmost placement, unchanged base first): chr17-5520908-A-ACCAGAC. GRCh37 (hg19) VCF-style: chr17-5424228-A-ACCAGAC.
Other names: c.3888GTCTGG[3], p.Gly1302_Met1303insSerGly (NM_001033053.3); c.3786GTCTGG[3], p.Gly1268_Met1269insSerGly (NM_033006.4); c.3693+604GTCTGG[3] (NM_033007.4); c.3783+604GTCTGG[3] (NM_014922.5).
Identifiers: ClinVar variation 2853444 (VCV002853444.3), dbSNP rs1217790491, ClinGen allele CA624646509.

ClinVar aggregate classification (germline): Uncertain significance (1 of 4 stars; one submission).

Submission:

Labcorp Genetics (formerly Invitae), Labcorp
Classification: Uncertain significance. Last evaluated: 2023-08-16. Review status: criteria provided, single submitter. Criteria: Invitae Variant Classification Sherloc (09022015). Collection method: clinical testing. Allele origin: germline.
Comment: In summary, the available evidence is currently insufficient to determine the role of this variant in disease. Therefore, it has been classified as a Variant of Uncertain Significance. This variant has not been reported in the literature in individuals affected with NLRP1-related conditions. This variant is present in population databases (no rsID available, gnomAD 0.007%). This variant, c.3882_3887dup, results in the insertion of 2 amino acid(s) of the NLRP1 protein (p.Ser1297_Gly1298dup), but otherwise preserves the integrity of the reading frame.